The following is an entry in ClinVar:

ClinVar aggregate classification (germline): Uncertain significance. Review status: criteria provided, multiple submitters, no conflicts (2 of 4 stars). 4 submissions from 4 submitters: Uncertain significance (4). Last evaluated 2026-02-01.

Conditions:
Proteinuria, chronic benign. Identifiers: MedGen C5394384, MONDO:0030042, OMIM 618884.
Imerslund-Grasbeck syndrome type 1 (IGS1). Also called: Megaloblastic anemia 1, Finnish type; Imerslund-Gräsbeck syndrome 1; MEGALOBLASTIC ANEMIA, 1. Identifiers: MedGen C4016819, MONDO:0100156, OMIM 261100.
Imerslund-Grasbeck syndrome. Also called: Imerslund-Gräsbeck syndrome; PERNICIOUS ANEMIA, JUVENILE, DUE TO SELECTIVE INTESTINAL MALABSORPTION OF VITAMIN B12, WITH PROTEINURIA; ENTEROCYTE COBALAMIN MALABSORPTION; ENTEROCYTE INTRINSIC FACTOR RECEPTOR, DEFECT OF; Megaloblastic anemia due to inborn errors of metabolism. Identifiers: Orphanet 35858, MedGen C4551825, MONDO:0009853.
Inborn genetic diseases. Identifiers: MedGen C0950123, MeSH D030342.

Allele frequency attached by ClinVar (database versions not stated): gnomAD exomes 0.00001 and 0.00002; ExAC 0.00002; ESP Exome Variant Server 0.00008; gnomAD 0.00013 and 0.00016; TOPMed 0.00016.
gnomAD v4.1: 43 of 1,612,910 alleles (0.0027%); highest among the groups gnomAD compares: African/African-American, 0.044%; no homozygotes.

Submissions (4):

Clinical Genomics Laboratory, Washington University in St. Louis
Classification: Uncertain significance for Imerslund-Grasbeck syndrome type 1. Last evaluated: 2026-02-01. Review status: criteria provided, single submitter. Criteria: ACMG Guidelines, 2015. Collection method: clinical testing. Allele origin: germline.
Comment: A CUBN c.2778T>G (p.Ser926Arg) variant was identified in a heterozygous state. This variant, to our knowledge, has not been reported in the medical literature but has been reported in the ClinVar database as a variant of uncertain significance by three submitters (ClinVar Variation ID: 970993). It is only observed on 11/282,224 alleles in the general population (gnomAD v2.1.1), indicating it is not a common variant. Computational predictors suggest that the variant does not impact CUBN function. Due to limited information, and based on ACMG/AMP guidelines for variant interpretation (Richards S et al., PMID: 25741868), the clinical significance of this variant is uncertain at this time.

Ambry Genetics
Classification: Uncertain significance for Inborn genetic diseases. Last evaluated: 2023-12-14. Review status: criteria provided, single submitter. Criteria: Ambry Variant Classification Scheme 2023. Collection method: clinical testing. Allele origin: germline.

Labcorp Genetics (formerly Invitae), Labcorp
Classification: Uncertain significance for Imerslund-Grasbeck syndrome. Last evaluated: 2023-08-04. Review status: criteria provided, single submitter. Criteria: Invitae Variant Classification Sherloc (09022015). Collection method: clinical testing. Allele origin: germline.
Comment: This sequence change replaces serine, which is neutral and polar, with arginine, which is basic and polar, at codon 926 of the CUBN protein (p.Ser926Arg). This variant is present in population databases (rs371127860, gnomAD 0.04%). This variant has not been reported in the literature in individuals affected with CUBN-related conditions. ClinVar contains an entry for this variant (Variation ID: 970993). Advanced modeling of protein sequence and biophysical properties (such as structural, functional, and spatial information, amino acid conservation, physicochemical variation, residue mobility, and thermodynamic stability) performed at Invitae indicates that this missense variant is not expected to disrupt CUBN protein function. In summary, the available evidence is currently insufficient to determine the role of this variant in disease. Therefore, it has been classified as a Variant of Uncertain Significance.

Fulgent Genetics
Classification: Uncertain significance for Imerslund-Grasbeck syndrome type 1; Proteinuria, chronic benign. Last evaluated: 2022-04-27. Review status: criteria provided, single submitter. Criteria: ACMG Guidelines, 2015. Collection method: clinical testing. Allele origin: unknown.

NM_001081.4(CUBN):c.2778T>G (p.Ser926Arg)

Gene: CUBN (cubilin; minus strand). Cytogenetic location: 10p13.
Variant type: single nucleotide variant.
Coding change: c.2778T>G on transcript NM_001081.4 (MANE Select); coding-DNA position 2778, T replaced by G.
Protein change: p.Ser926Arg; replaces serine 926 with arginine.
Molecular consequence: missense variant.
Genome position (GRCh38, 1-based): chr10:17,068,618, A>C on the plus strand (T>G on the coding strand, the complement: CUBN is on the minus strand). VCF-style: chr10-17068618-A-C. GRCh37 (hg19) VCF-style: chr10-17110617-A-C.
Other names: short protein forms S926R.
Identifiers: ClinVar variation 970993 (VCV000970993.10), dbSNP rs371127860, ClinGen allele CA5424878.